The following is an entry in ClinVar:

NM_003630.3(PEX3):c.473C>G (p.Pro158Arg)

Gene: PEX3 (peroxisomal biogenesis factor 3; plus strand). Cytogenetic location: 6q24.2.
Variant type: single nucleotide variant.
Coding change: c.473C>G on transcript NM_003630.3 (MANE Select); coding-DNA position 473, C replaced by G.
Protein change: p.Pro158Arg; replaces proline 158 with arginine.
Molecular consequence: missense variant.
Genome position (GRCh38, 1-based): chr6:143,471,399, C>G. VCF-style: chr6-143471399-C-G. GRCh37 (hg19) VCF-style: chr6-143792536-C-G.
Other names: short protein forms P158R.
Identifiers: ClinVar variation 291279 (VCV000291279.18), dbSNP rs199781957, ClinGen allele CA4029590.

ClinVar aggregate classification (germline): Conflicting classifications of pathogenicity. Review status: criteria provided, conflicting classifications (1 of 4 stars). 5 submissions from 5 submitters: Uncertain significance (2); Benign (1); Likely benign (1). 1 of the submissions does not count toward it. Last evaluated 2026-01-28.

Conditions:
PEX3-related disorder. Also called: PEX3-related condition.
Peroxisome biogenesis disorder 10A (Zellweger). Also called: Peroxisome biogenesis disorder 10A. Identifiers: Orphanet 912, MedGen C3553999, MONDO:0013948, OMIM 614882.

Allele frequency attached by ClinVar (database versions not stated): gnomAD 0.00007 and 0.00014; ESP Exome Variant Server 0.00015; TOPMed 0.00016; ExAC 0.00026; gnomAD exomes 0.00027; 1000 Genomes Project 30x 0.00047; 1000 Genomes Project 0.00060.
gnomAD v4.1: 230 of 1,606,602 alleles (0.014%); highest among the groups gnomAD compares: East Asian, 0.21%; 2 homozygotes.

Submissions (5):

Labcorp Genetics (formerly Invitae), Labcorp
Classification: Likely benign. Last evaluated: 2026-01-28. Review status: criteria provided, single submitter. Criteria: Invitae Variant Classification Sherloc (09022015). Collection method: clinical testing. Allele origin: germline.

Blueprint Genetics
Classification: Benign. Last evaluated: 2024-11-07. Review status: criteria provided, single submitter. Criteria: ACMG Guidelines, 2015. Collection method: clinical testing. Allele origin: germline.

Illumina Laboratory Services, Illumina
Classification: Uncertain significance for Peroxisome biogenesis disorder 10A (Zellweger). Last evaluated: 2018-01-13. Review status: criteria provided, single submitter. Criteria: ICSL Variant Classification Criteria 13 December 2019. Collection method: clinical testing. Allele origin: germline.

Eurofins Ntd Llc (ga)
Classification: Uncertain significance. Last evaluated: 2016-09-23. Review status: criteria provided, single submitter. Criteria: EGL Classification Definitions 2015. Collection method: clinical testing. Allele origin: germline. Observed: 1 variant allele, 1 heterozygote.

PreventionGenetics, part of Exact Sciences
Classification: Likely benign for PEX3-related condition. Last evaluated: 2024-08-19. Review status: no assertion criteria provided. Collection method: clinical testing. Allele origin: germline. Not counted in ClinVar's aggregate classification.
Comment: This variant is classified as likely benign based on ACMG/AMP sequence variant interpretation guidelines (Richards et al. 2015 PMID: 25741868, with internal and published modifications).